The following is an entry in ClinVar:

ClinVar aggregate classification (germline): Uncertain significance. Review status: criteria provided, multiple submitters, no conflicts (2 of 4 stars). 2 submissions from 2 submitters: Uncertain significance (2). Last evaluated 2024-04-18.

Conditions:
Dilated cardiomyopathy 1W (CMD1W). Identifiers: Orphanet 154, MedGen C1969639, MONDO:0012667, OMIM 611407.
Cardiovascular phenotype. Identifiers: MedGen CN230736.

Allele frequency attached by ClinVar (database versions not stated): gnomAD 0.00001; gnomAD exomes 0.00001 and 0.00002; TOPMed 0.00001; ExAC 0.00002.
gnomAD v4.1: 6 of 1,614,102 alleles (0.00037%); highest among the groups gnomAD compares: Admixed American, 0.0083%; no homozygotes.

Submissions (2):

Labcorp Genetics (formerly Invitae), Labcorp
Classification: Uncertain significance for Dilated cardiomyopathy 1W. Last evaluated: 2024-04-18. Review status: criteria provided, single submitter. Criteria: Invitae Variant Classification Sherloc (09022015). Collection method: clinical testing. Allele origin: germline.
Comment: This sequence change replaces proline, which is neutral and non-polar, with serine, which is neutral and polar, at codon 951 of the VCL protein (p.Pro951Ser). This variant is present in population databases (rs774356864, gnomAD 0.01%). This variant has not been reported in the literature in individuals affected with VCL-related conditions. ClinVar contains an entry for this variant (Variation ID: 1421480). An algorithm developed to predict the effect of missense changes on protein structure and function (PolyPhen-2) suggests that this variant¬†is likely to be tolerated. In summary, the available evidence is currently insufficient to determine the role of this variant in disease. Therefore, it has been classified as a Variant of Uncertain Significance.

Ambry Genetics
Classification: Uncertain significance for Cardiovascular phenotype. Last evaluated: 2024-04-16. Review status: criteria provided, single submitter. Criteria: Ambry Variant Classification Scheme 2023. Collection method: clinical testing. Allele origin: germline.
Comment: The p.P951S variant (also known as c.2851C>T), located in coding exon 19 of the VCL gene, results from a C to T substitution at nucleotide position 2851. The proline at codon 951 is replaced by serine, an amino acid with similar properties. This amino acid position is conserved. In addition, this alteration is predicted to be tolerated by in silico analysis. Based on the available evidence, the clinical significance of this variant remains unclear.

NM_014000.3(VCL):c.2851C>T (p.Pro951Ser)

Gene: VCL (vinculin; plus strand). Cytogenetic location: 10q22.2.
Variant type: single nucleotide variant.
Coding change: c.2851C>T on transcript NM_014000.3 (MANE Select); coding-DNA position 2851, C replaced by T.
Protein change: p.Pro951Ser; replaces proline 951 with serine.
Molecular consequence: missense variant. On other transcripts: intron variant (1).
Genome position (GRCh38, 1-based): chr10:74,112,014, C>T. VCF-style: chr10-74112014-C-T. GRCh37 (hg19) VCF-style: chr10-75871772-C-T.
Other names: c.2851C>T (NM_014000.2); c.2746-2170C>T (NM_003373.4); short protein forms P951S.
Identifiers: ClinVar variation 1421480 (VCV001421480.8), dbSNP rs774356864, ClinGen allele CA5563321.
Genomic context (GRCh38, chr10:74,112,014, plus strand): 5'-GCAGATGCGGCCGATGCTGCTGGCTTCCCTGTCCCCCCTGACATGGAAGACGATTACGAA[C>T]CTGAGCTGCTGTTAATGCCATCCAATCAGCCGGTCAACCAGCCCATTCTGGCCGCGGCTC-3'
Protein context (NP_054706.1, residues 941-961): VPPDMEDDYE[Pro951Ser]ELLLMPSNQP